The following is an entry in ClinVar:

ClinVar aggregate classification (germline): Likely benign. Review status: criteria provided, multiple submitters, no conflicts (2 of 4 stars). 4 submissions from 4 submitters: Likely benign (3). 1 of the submissions does not count toward it. Last evaluated 2025-12-23.

Conditions:
P2RX2-related disorder. Also called: P2RX2-related condition.

Allele frequency attached by ClinVar (database versions not stated): gnomAD exomes 0.00003 and 0.00014; gnomAD 0.00008 and 0.00011; TOPMed 0.00008; ExAC 0.00016; 1000 Genomes Project 30x 0.00125; 1000 Genomes Project 0.00140.

Submissions (4):

Labcorp Genetics (formerly Invitae), Labcorp
Classification: Likely benign. Last evaluated: 2025-12-23. Review status: criteria provided, single submitter. Criteria: Invitae Variant Classification Sherloc (09022015). Collection method: clinical testing. Allele origin: germline.

Blueprint Genetics
Classification: Likely benign. Last evaluated: 2024-09-18. Review status: criteria provided, single submitter. Criteria: ACMG Guidelines, 2015. Collection method: clinical testing. Allele origin: germline.

GeneDx
Classification: Likely benign. Last evaluated: 2020-10-26. Review status: criteria provided, single submitter. Criteria: GeneDx Variant Classification Process June 2021. Collection method: clinical testing. Allele origin: germline. Affected: yes.

PreventionGenetics, part of Exact Sciences
Classification: Likely benign for P2RX2-related condition. Last evaluated: 2024-04-16. Review status: no assertion criteria provided. Collection method: clinical testing. Allele origin: germline. Not counted in ClinVar's aggregate classification.
Comment: This variant is classified as likely benign based on ACMG/AMP sequence variant interpretation guidelines (Richards et al. 2015 PMID: 25741868, with internal and published modifications).

NM_170682.4(P2RX2):c.1376C>T (p.Ala459Val)

Gene: P2RX2 (purinergic receptor P2X 2; plus strand). Cytogenetic location: 12q24.33.
Variant type: single nucleotide variant.
Coding change: c.1376C>T on transcript NM_170682.4 (MANE Select); coding-DNA position 1376, C replaced by T.
Protein change: p.Ala459Val; replaces alanine 459 with valine.
Molecular consequence: missense variant. On other transcripts: 3 prime UTR variant (1).
Genome position (GRCh38, 1-based): chr12:132,621,932, C>T. VCF-style: chr12-132621932-C-T. GRCh37 (hg19) VCF-style: chr12-133198518-C-T.
Other names: c.1073C>T, p.Ala358Val (NM_001282164.2); c.*423C>T (NM_001282165.2); c.1160C>T, p.Ala387Val (NM_012226.5); c.1304C>T, p.Ala435Val (NM_016318.4); c.1454C>T, p.Ala485Val (NM_170683.4); c.1100C>T, p.Ala367Val (NM_174872.3); c.1175C>T, p.Ala392Val (NM_174873.3); short protein forms A358V, A367V, A387V, A392V, A435V, A459V, A485V.
Identifiers: ClinVar variation 1300852 (VCV001300852.11), dbSNP rs368231244, ClinGen allele CA6891905.